The following is an entry in ClinVar:

NM_001374353.1(GLI2):c.2183C>T (p.Ser728Leu)

Gene: GLI2 (GLI family zinc finger 2; plus strand). Cytogenetic location: 2q14.2.
Variant type: single nucleotide variant.
Coding change: c.2183C>T on transcript NM_001374353.1 (MANE Select); coding-DNA position 2183, C replaced by T.
Protein change: p.Ser728Leu; replaces serine 728 with leucine.
Molecular consequence: missense variant.
Genome position (GRCh38, 1-based): chr2:120,986,555, C>T. VCF-style: chr2-120986555-C-T. GRCh37 (hg19) VCF-style: chr2-121744131-C-T.
Other names: c.2234C>T, p.Ser745Leu (NM_001371271.1, NM_005270.5); c.1808C>T, p.Ser603Leu (NM_001374354.1); short protein forms S603L, S728L, S745L.
Identifiers: ClinVar variation 1690773 (VCV001690773.4), dbSNP rs780517633, ClinGen allele CA1852156.

ClinVar aggregate classification (germline): Conflicting classifications of pathogenicity. Review status: criteria provided, conflicting classifications (1 of 4 stars). 3 submissions from 3 submitters: Uncertain significance (1); Likely benign (2). Last evaluated 2025-06-05.

Conditions:
Holoprosencephaly 9 (HPE9). Also called: PITUITARY ANOMALIES WITH HOLOPROSENCEPHALY-LIKE FEATURES; HOLOPROSENCEPHALY WITH MICROPHTHALMIA AND FIRST BRANCHIAL ARCH ANOMALIES. Identifiers: Orphanet 2162, MedGen C1835819, MONDO:0012563, OMIM 610829.
Postaxial polydactyly-anterior pituitary anomalies-facial dysmorphism syndrome. Also called: Culler-Jones syndrome. Identifiers: Orphanet 420584, MedGen C4014479, MONDO:0014369, OMIM 615849.

Allele frequency attached by ClinVar (database versions not stated): gnomAD exomes below 0.00001 and 0.00002; gnomAD 0.00007; TOPMed 0.00005; ExAC 0.00002.
gnomAD v4.1: 14 of 1,614,030 alleles (0.00087%); highest among the groups gnomAD compares: African/African-American, 0.017%; no homozygotes.

Submissions (3):

Labcorp Genetics (formerly Invitae), Labcorp
Classification: Uncertain significance for Postaxial polydactyly-anterior pituitary anomalies-facial dysmorphism syndrome; Holoprosencephaly 9. Last evaluated: 2025-06-05. Review status: criteria provided, single submitter. Criteria: Invitae Variant Classification Sherloc (09022015). Collection method: clinical testing. Allele origin: germline.
Comment: This sequence change replaces serine, which is neutral and polar, with leucine, which is neutral and non-polar, at codon 745 of the GLI2 protein (p.Ser745Leu). This variant is present in population databases (rs780517633, gnomAD 0.02%). This variant has not been reported in the literature in individuals affected with GLI2-related conditions. ClinVar contains an entry for this variant (Variation ID: 1690773). Invitae Evidence Modeling of protein sequence and biophysical properties (such as structural, functional, and spatial information, amino acid conservation, physicochemical variation, residue mobility, and thermodynamic stability) indicates that this missense variant is expected to disrupt GLI2 protein function with a positive predictive value of 80%. In summary, the available evidence is currently insufficient to determine the role of this variant in disease. Therefore, it has been classified as a Variant of Uncertain Significance.

Laboratorio de Genetica e Diagnostico Molecular, Hospital Israelita Albert Einstein
Classification: Likely benign. Last evaluated: 2020-01-17. Review status: criteria provided, single submitter. Criteria: ACMG Guidelines, 2015. Collection method: clinical testing. Allele origin: germline. Affected: yes.
Comment: ACMG classification criteria: PM2, BP1, BP4

Breakthrough Genomics
Classification: Likely benign. Review status: criteria provided, single submitter. Criteria: ACMG Guidelines, 2015. Collection method: not provided. Allele origin: germline. Inheritance: Autosomal dominant inheritance. Affected: yes.